The following is an entry in ClinVar:

NM_133433.4(NIPBL):c.1869T>G (p.Ser623=)

Gene: NIPBL (NIPBL cohesin loading factor; plus strand). Cytogenetic location: 5p13.2.
Variant type: single nucleotide variant.
Coding change: c.1869T>G on transcript NM_133433.4 (MANE Select); coding-DNA position 1869, T replaced by G.
Protein change: p.Ser623=; no amino-acid change (serine 623 retained).
Molecular consequence: synonymous variant.
Genome position (GRCh38, 1-based): chr5:36,985,049, T>G. VCF-style: chr5-36985049-T-G. GRCh37 (hg19) VCF-style: chr5-36985151-T-G.
Other names: c.1869T>G, p.Ser623= (NM_001438586.1, NM_015384.5).
Identifiers: ClinVar variation 4085459 (VCV004085459.8).

ClinVar aggregate classification (germline): Likely benign (1 of 4 stars; one submission).

Submission:

CeGaT Center for Human Genetics Tuebingen
Classification: Likely benign. Last evaluated: 2025-07-01. Review status: criteria provided, single submitter. Criteria: CeGaT Center For Human Genetics Tuebingen Variant Classification Criteria Version 2. Collection method: clinical testing. Allele origin: germline. Affected: yes. Observed: 1 variant allele.
Comment: NIPBL: PM2:Supporting, BP4, BP7